The following is an entry in ClinVar:

ClinVar aggregate classification (germline): Likely pathogenic (1 of 4 stars; one submission).

Conditions:
Primary hyperoxaluria type 3. Also called: PH III. Identifiers: Orphanet 416, Orphanet 93600, MedGen C3150878, MONDO:0013327, OMIM 613616. Disease mechanism: loss of function.

Submission:

Clinical Biochemistry Laboratory, Health Services Laboratory
Classification: Likely pathogenic for Primary hyperoxaluria type 3. Last evaluated: 2023-10-27. Review status: criteria provided, single submitter. Criteria: ACMG Guidelines, 2015. Collection method: curation. Allele origin: germline. Affected: yes.
Comment: ACMG:PM2 PM3 PP3 PP4 BP1

Literature cited by the submitters: PubMed 35612621.

NM_138413.4(HOGA1):c.356T>G (p.Val119Gly)

Gene: HOGA1 (4-hydroxy-2-oxoglutarate aldolase 1; plus strand). Cytogenetic location: 10q24.2.
Variant type: single nucleotide variant.
Coding change: c.356T>G on transcript NM_138413.4 (MANE Select); coding-DNA position 356, T replaced by G.
Protein change: p.Val119Gly; replaces valine 119 with glycine.
Molecular consequence: missense variant. On other transcripts: intron variant (1).
Genome position (GRCh38, 1-based): chr10:97,599,104, T>G. VCF-style: chr10-97599104-T-G. GRCh37 (hg19) VCF-style: chr10-99358861-T-G.
Other names: c.212-2753T>G (NM_001134670.2); short protein forms V119G.
Identifiers: ClinVar variation 2664390 (VCV002664390.1), dbSNP rs2540074585, ClinGen allele CA377977182.
Genomic context (GRCh38, chr10:97,599,104, plus strand): 5'-CAGGCCTCCTTCTGCCTGCTCTCACCTCTCTCCTTCCTCTGGCAGCCACTCAAGCCACAG[T>G]GGAGATGACCGTCAGCATGGCCCAGGTCGGGGCTGACGCGGCCATGGTGGTGACCCCTTG-3'
Protein context (NP_612422.2, residues 109-129): GSGCESTQAT[Val119Gly]EMTVSMAQVG